The following is an entry in ClinVar:

NM_000465.4(BARD1):c.2024G>A (p.Cys675Tyr)

Gene: BARD1 (BRCA1 associated RING domain 1; minus strand). Cytogenetic location: 2q35.
Variant type: single nucleotide variant.
Coding change: c.2024G>A on transcript NM_000465.4 (MANE Select); coding-DNA position 2024, G replaced by A.
Protein change: p.Cys675Tyr; replaces cysteine 675 with tyrosine.
Molecular consequence: missense variant. On other transcripts: non-coding transcript variant (3).
Genome position (GRCh38, 1-based): chr2:214,728,986, C>T on the plus strand (G>A on the coding strand, the complement: BARD1 is on the minus strand). VCF-style: chr2-214728986-C-T. GRCh37 (hg19) VCF-style: chr2-215593710-C-T.
Other names: c.1967G>A, p.Cys656Tyr (NM_001282543.2); c.671G>A, p.Cys224Tyr (NM_001282545.2); c.614G>A, p.Cys205Tyr (NM_001282548.2); c.485G>A, p.Cys162Tyr (NM_001282549.2); short protein forms C224Y, C656Y, C675Y, C162Y, C205Y.
Identifiers: ClinVar variation 1487119 (VCV001487119.9), dbSNP rs2105987963, ClinGen allele CA350450783.

ClinVar aggregate classification (germline): Uncertain significance (1 of 4 stars; one submission).

Conditions:
Familial cancer of breast. Also called: Hereditary breast cancer; BREAST CANCER, FAMILIAL; hereditary breast carcinoma. Identifiers: Orphanet 227535, MedGen C0346153, MONDO:0016419, OMIM 114480. Disease mechanism: loss of function.

Allele frequency attached by ClinVar (database versions not stated): gnomAD exomes below 0.00001.
gnomAD v4.1: 1 of 1,614,120 alleles (0.000062%); highest among the groups gnomAD compares: East Asian, 0.0022%; no homozygotes.

Submission:

Labcorp Genetics (formerly Invitae), Labcorp
Classification: Uncertain significance for Familial cancer of breast. Last evaluated: 2021-04-28. Review status: criteria provided, single submitter. Criteria: Invitae Variant Classification Sherloc (09022015). Collection method: clinical testing. Allele origin: germline.
Comment: This sequence change replaces cysteine with tyrosine at codon 675 of the BARD1 protein (p.Cys675Tyr). The cysteine residue is highly conserved and there is a large physicochemical difference between cysteine and tyrosine. In summary, the available evidence is currently insufficient to determine the role of this variant in disease. Therefore, it has been classified as a Variant of Uncertain Significance. Algorithms developed to predict the effect of missense changes on protein structure and function (SIFT, PolyPhen-2, Align-GVGD) all suggest that this variant is likely to be disruptive, but these predictions have not been confirmed by published functional studies and their clinical significance is uncertain. This variant has not been reported in the literature in individuals with BARD1-related conditions. This variant is not present in population databases (ExAC no frequency).